The following is an entry in ClinVar:

NM_001363711.2(DUOX2):c.2997del (p.Phe999fs)

Gene: DUOX2 (dual oxidase 2; minus strand). Cytogenetic location: 15q21.1.
Variant type: Deletion.
Coding change: c.2997del on transcript NM_001363711.2 (MANE Select); coding-DNA position 2997, one base deleted (T; older notation c.2997delT).
Protein change: p.Phe999fs; shifts the reading frame from phenylalanine 999.
Molecular consequence: frameshift variant.
Genome position (GRCh38, 1-based): chr15:45,100,763, A deleted on the plus strand (T on the coding strand, the reverse complement: DUOX2 is on the minus strand); the first of 3 consecutive A bases (chr15:45,100,763-45,100,765); deleting any one gives the same sequence. VCF-style (leftmost placement, unchanged base first): chr15-45100762-CA-C. GRCh37 (hg19) VCF-style: chr15-45392960-CA-C.
Other names: c.2997del, p.Phe999fs (NM_014080.5); c.2997del (NM_014080.4); short protein forms F999fs.
Identifiers: ClinVar variation 2969752 (VCV002969752.5), dbSNP rs774830832, ClinGen allele CA7538058.

ClinVar aggregate classification (germline): Conflicting classifications of pathogenicity. Review status: criteria provided, conflicting classifications (1 of 4 stars). 2 submissions from 2 submitters: Pathogenic (1); Uncertain significance (1). Last evaluated 2024-09-19.

Submissions (2):

Labcorp Genetics (formerly Invitae), Labcorp
Classification: Pathogenic. Last evaluated: 2024-09-19. Review status: criteria provided, single submitter. Criteria: Invitae Variant Classification Sherloc (09022015). Collection method: clinical testing. Allele origin: germline.
Comment: This sequence change creates a premature translational stop signal (p.Phe999Leufs*26) in the DUOX2 gene. It is expected to result in an absent or disrupted protein product. Loss-of-function variants in DUOX2 are known to be pathogenic (PMID: 12110737, 18765513, 21565790, 24423310, 24735383). This variant is present in population databases (rs774830832, gnomAD 0.02%). This variant has not been reported in the literature in individuals affected with DUOX2-related conditions. For these reasons, this variant has been classified as Pathogenic.

GeneDx
Classification: Uncertain significance. Last evaluated: 2024-03-23. Review status: criteria provided, single submitter. Criteria: GeneDx Variant Classification Process June 2021. Collection method: clinical testing. Allele origin: germline. Affected: yes.
Comment: Frameshift variant predicted to result in protein truncation or nonsense mediated decay in a gene for which loss of function is a known mechanism of disease; Has not been previously published as pathogenic or benign to our knowledge

Literature cited by the submitters: PubMed 12110737 (cited by Labcorp Genetics (formerly Invitae), Labcorp); PubMed 18765513 (cited by Labcorp Genetics (formerly Invitae), Labcorp); PubMed 21565790 (cited by Labcorp Genetics (formerly Invitae), Labcorp); PubMed 24423310 (cited by Labcorp Genetics (formerly Invitae), Labcorp); PubMed 24735383 (cited by Labcorp Genetics (formerly Invitae), Labcorp).